The following is an entry in ClinVar:

NR_003051.3(RMRP):n.-14_-2dup

Gene: RMRP (RNA component of mitochondrial RNA processing endoribonuclease; minus strand). Cytogenetic location: 9p13.3.
Variant type: Duplication.
Genome position: GRCh38 VCF-style: chr9-35658019-A-ACGTCCTCAGCTTC. GRCh37 (hg19) VCF-style: chr9-35658016-A-ACGTCCTCAGCTTC.
Identifiers: ClinVar variation 632968 (VCV000632968.1), dbSNP rs1554651400, ClinGen allele CA587570193.
Genomic context (GRCh38, chr9:35,658,019, plus strand): 5'-GAAAGGGGAGGAACAGAGTCCTCAGTGTGTAGCCTAGGATACAGGCCTTCAGCACGAACC[A>ACGTCCTCAGCTTC]CGTCCTCAGCTTCACAGAGTAGTATTTTATAGCCCTAAAGAAATTGTGTTTTATGATTAG-3'

ClinVar aggregate classification (germline): Likely pathogenic. Review status: criteria provided, multiple submitters, no conflicts (2 of 4 stars). 2 submissions from 2 submitters: Likely pathogenic (2). Last evaluated 2024-11-12.

Conditions:
Metaphyseal chondrodysplasia, McKusick type (CHH). Also called: Cartilage-Hair Hypoplasia (CHH); Cartilage-hair hypoplasia. Identifiers: Orphanet 175, MedGen C0220748, MONDO:0009595, OMIM 250250.

Allele frequency attached by ClinVar (database versions not stated): gnomAD exomes below 0.00001; gnomAD 0.00003.

Submissions (2):

Natera, Inc.
Classification: Likely pathogenic for Cartilage-hair hypoplasia. Last evaluated: 2024-11-12. Review status: criteria provided, single submitter. Criteria: Natera Variant Classification Schema (03/2026). Collection method: clinical testing. Allele origin: germline.
Comment: The n.-14_-2dup variant in RMRP is a duplication affecting the RMRP promoter region between the TATA box and the transcription initiation site. Other duplications and insertions just upstream of the transcription initiation site have been reported in individuals affected with cartilage-hair hypoplasia (PMID: 11207361, 17937437). This variant is rare in the general population with a frequency below the threshold expected for the associated phenotype(s). Given the available evidence, this variant is classified as Likely pathogenic.

Women's Health and Genetics/Laboratory Corporation of America, LabCorp
Classification: Likely pathogenic for Metaphyseal chondrodysplasia, McKusick type. Last evaluated: 2018-11-15. Review status: criteria provided, single submitter. Criteria: LabCorp Variant Classification Summary - May 2015. Collection method: clinical testing. Allele origin: germline.
Comment: Variant summary: RMRP n.-14_-2dup13 variant involves the duplication of 13 nucleotides in the promoter region of RMRP, which is located between the TATA box (-33 to -25) and the transcription initiation site. Multiple duplication variants in this promoter region have been reported pathogenic (internally and in HGMD). The variant was absent in 119274 control chromosomes (gnomAD). To our knowledge, no occurrence of n.-14_-2dup13 in individuals affected with Cartilage-Hair Hypoplasia and no experimental evidence demonstrating its impact on protein function have been reported. No clinical diagnostic laboratories have submitted clinical-significance assessments for this variant to ClinVar after 2014. Based on the evidence outlined above, the variant was classified as likely pathogenic.

Literature cited by the submitters: PubMed 11207361 (cited by Natera, Inc.); PubMed 17937437 (cited by Natera, Inc.).